The following is an entry in ClinVar:

NM_198578.4(LRRK2):c.4976C>G (p.Ala1659Gly)

Gene: LRRK2 (leucine rich repeat kinase 2; plus strand). Cytogenetic location: 12q12.
Variant type: single nucleotide variant.
Coding change: c.4976C>G on transcript NM_198578.4 (MANE Select); coding-DNA position 4976, C replaced by G.
Protein change: p.Ala1659Gly; replaces alanine 1659 with glycine.
Molecular consequence: missense variant.
Genome position (GRCh38, 1-based): chr12:40,320,136, C>G. VCF-style: chr12-40320136-C-G. GRCh37 (hg19) VCF-style: chr12-40713938-C-G.
Other names: c.4976C>G (NM_198578.3); short protein forms A1659G.
Identifiers: ClinVar variation 2682623 (VCV002682623.2), dbSNP rs897135882, ClinGen allele CA384419713.

ClinVar aggregate classification (germline): Uncertain significance. Review status: criteria provided, multiple submitters, no conflicts (2 of 4 stars). 2 submissions from 2 submitters: Uncertain significance (2). Last evaluated 2024-04-10.

Conditions:
Inborn genetic diseases. Identifiers: MedGen C0950123, MeSH D030342.

Submissions (2):

Ambry Genetics
Classification: Uncertain significance for Inborn genetic diseases. Last evaluated: 2024-04-10. Review status: criteria provided, single submitter. Criteria: Ambry Variant Classification Scheme 2023. Collection method: clinical testing. Allele origin: germline.
Comment: The p.A1659G variant (also known as c.4976C>G), located in coding exon 34 of the LRRK2 gene, results from a C to G substitution at nucleotide position 4976. The alanine at codon 1659 is replaced by glycine, an amino acid with similar properties. This amino acid position is conserved. In addition, this alteration is predicted to be deleterious by in silico analysis. Based on the available evidence, the clinical significance of this variant remains unclear.

Women's Health and Genetics/Laboratory Corporation of America, LabCorp
Classification: Uncertain significance. Last evaluated: 2023-11-17. Review status: criteria provided, single submitter. Criteria: LabCorp Variant Classification Summary - May 2015. Collection method: clinical testing. Allele origin: germline.
Comment: Variant summary: LRRK2 c.4976C>G (p.Ala1659Gly) results in a non-conservative amino acid change located in the C-terminal of Roc (COR) domain of the encoded protein sequence. Five of five in-silico tools predict a damaging effect of the variant on protein function. The variant was absent in 248542 control chromosomes. The available data on variant occurrences in the general population are insufficient to allow any conclusion about variant significance. To our knowledge, no occurrence of c.4976C>G in individuals affected with Parkinson Disease 8, Autosomal Dominant and no experimental evidence demonstrating its impact on protein function have been reported. No submitters have cited clinical-significance assessments for this variant to ClinVar after 2014. Based on the evidence outlined above, the variant was classified as uncertain significance.